The following is an entry in ClinVar:

NM_004958.4(MTOR):c.1147A>G (p.Ser383Gly)

Gene: MTOR (mechanistic target of rapamycin kinase; minus strand). Cytogenetic location: 1p36.22.
Variant type: single nucleotide variant.
Coding change: c.1147A>G on transcript NM_004958.4 (MANE Select); coding-DNA position 1147, A replaced by G.
Protein change: p.Ser383Gly; replaces serine 383 with glycine.
Molecular consequence: missense variant. On other transcripts: intron variant (1).
Genome position (GRCh38, 1-based): chr1:11,247,703, T>C on the plus strand (A>G on the coding strand, the complement: MTOR is on the minus strand). VCF-style: chr1-11247703-T-C. GRCh37 (hg19) VCF-style: chr1-11307760-T-C.
Other names: c.1147A>G, p.Ser383Gly (NM_001386500.1); c.-24+116A>G (NM_001386501.1); short protein forms S383G.
Identifiers: ClinVar variation 1328764 (VCV001328764.6), dbSNP rs1649034149, ClinGen allele CA338399220.

ClinVar aggregate classification (germline): Uncertain significance. Review status: criteria provided, multiple submitters, no conflicts (2 of 4 stars). 2 submissions from 2 submitters: Uncertain significance (2). Last evaluated 2023-10-03.

Allele frequency attached by ClinVar (database versions not stated): TOPMed below 0.00001.

Submissions (2):

Labcorp Genetics (formerly Invitae), Labcorp
Classification: Uncertain significance. Last evaluated: 2023-10-03. Review status: criteria provided, single submitter. Criteria: Invitae Variant Classification Sherloc (09022015). Collection method: clinical testing. Allele origin: germline.
Comment: This sequence change replaces serine, which is neutral and polar, with glycine, which is neutral and non-polar, at codon 383 of the MTOR protein (p.Ser383Gly). This variant is not present in population databases (gnomAD no frequency). This variant has not been reported in the literature in individuals affected with MTOR-related conditions. ClinVar contains an entry for this variant (Variation ID: 1328764). Advanced modeling of protein sequence and biophysical properties (such as structural, functional, and spatial information, amino acid conservation, physicochemical variation, residue mobility, and thermodynamic stability) performed at Invitae indicates that this missense variant is not expected to disrupt MTOR protein function. In summary, the available evidence is currently insufficient to determine the role of this variant in disease. Therefore, it has been classified as a Variant of Uncertain Significance.

GeneDx
Classification: Uncertain significance. Last evaluated: 2021-06-18. Review status: criteria provided, single submitter. Criteria: GeneDx Variant Classification Process June 2021. Collection method: clinical testing. Allele origin: germline. Affected: yes.
Comment: Not observed at significant frequency in large population cohorts (Lek et al., 2016); In silico analysis supports that this missense variant has a deleterious effect on protein structure/function; Has not been previously published as pathogenic or benign to our knowledge; This variant is associated with the following publications: (PMID: 27535533)